The following is an entry in ClinVar:

NM_004519.4(KCNQ3):c.2500G>A (p.Ala834Thr)

Gene: KCNQ3 (potassium voltage-gated channel subfamily Q member 3; minus strand). Cytogenetic location: 8q24.22.
Variant type: single nucleotide variant.
Coding change: c.2500G>A on transcript NM_004519.4 (MANE Select); coding-DNA position 2500, G replaced by A.
Protein change: p.Ala834Thr; replaces alanine 834 with threonine.
Molecular consequence: missense variant.
Genome position (GRCh38, 1-based): chr8:132,129,381, C>T on the plus strand (G>A on the coding strand, the complement: KCNQ3 is on the minus strand). VCF-style: chr8-132129381-C-T. GRCh37 (hg19) VCF-style: chr8-133141628-C-T.
Other names: c.2140G>A, p.Ala714Thr (NM_001204824.2); short protein forms A714T, A834T.
Identifiers: ClinVar variation 1907220 (VCV001907220.5), dbSNP rs772240164, ClinGen allele CA4880430.

ClinVar aggregate classification (germline): Uncertain significance (1 of 4 stars; one submission).

Conditions:
Benign neonatal seizures. Also called: Convulsions benign familial neonatal dominant form; Autosomal dominant form of benign neonatal seizures; Benign neonatal familial convulsions; Benign familial neonatal epilepsy; Benign familial neonatal seizures. Identifiers: Orphanet 1949, MedGen C0220669, MONDO:0016027.

Allele frequency attached by ClinVar (database versions not stated): gnomAD exomes below 0.00001.
gnomAD v4.1: 2 of 1,614,192 alleles (0.00012%); highest among the groups gnomAD compares: Non-Finnish European, 0.000085%; no homozygotes.

Submission:

Labcorp Genetics (formerly Invitae), Labcorp
Classification: Uncertain significance for Benign neonatal seizures. Last evaluated: 2022-04-11. Review status: criteria provided, single submitter. Criteria: Invitae Variant Classification Sherloc (09022015). Collection method: clinical testing. Allele origin: germline.
Comment: In summary, the available evidence is currently insufficient to determine the role of this variant in disease. Therefore, it has been classified as a Variant of Uncertain Significance. Algorithms developed to predict the effect of missense changes on protein structure and function are either unavailable or do not agree on the potential impact of this missense change (SIFT: "Tolerated"; PolyPhen-2: "Probably Damaging"; Align-GVGD: "Class C0"). This variant has not been reported in the literature in individuals affected with KCNQ3-related conditions. This variant is not present in population databases (gnomAD no frequency). This sequence change replaces alanine, which is neutral and non-polar, with threonine, which is neutral and polar, at codon 834 of the KCNQ3 protein (p.Ala834Thr).